The following is an entry in ClinVar:

ClinVar aggregate classification (germline): Pathogenic (1 of 4 stars; one submission).

Submission:

Labcorp Genetics (formerly Invitae), Labcorp
Classification: Pathogenic. Last evaluated: 2023-01-12. Review status: criteria provided, single submitter. Criteria: Invitae Variant Classification Sherloc (09022015). Collection method: clinical testing. Allele origin: germline.
Comment: For these reasons, this variant has been classified as Pathogenic. This variant has not been reported in the literature in individuals affected with PCDH15-related conditions. This variant is not present in population databases (gnomAD no frequency). This sequence change creates a premature translational stop signal (p.Glu547*) in the PCDH15 gene. It is expected to result in an absent or disrupted protein product. Loss-of-function variants in PCDH15 are known to be pathogenic (PMID: 11398101, 11487575, 14570705).

Literature cited by the submitters: PubMed 11398101; PubMed 11487575; PubMed 14570705.

NM_001384140.1(PCDH15):c.1639G>T (p.Glu547Ter)

Gene: PCDH15 (protocadherin related 15; minus strand). Cytogenetic location: 10q21.1.
Variant type: single nucleotide variant.
Coding change: c.1639G>T on transcript NM_001384140.1 (MANE Select); coding-DNA position 1639, G replaced by T.
Protein change: p.Glu547Ter; replaces glutamic acid 547 with a stop codon.
Molecular consequence: nonsense.
Genome position (GRCh38, 1-based): chr10:54,153,245, C>A on the plus strand (G>T on the coding strand, the complement: PCDH15 is on the minus strand). VCF-style: chr10-54153245-C-A. GRCh37 (hg19) VCF-style: chr10-55913005-C-A.
Other names: c.1654G>T, p.Glu552Ter (NM_001142763.2, NM_001142771.2); c.1639G>T, p.Glu547Ter (NM_001142764.2, NM_001142765.2, NM_001142766.2 and 6 more transcripts); c.1528G>T, p.Glu510Ter (NM_001142767.2); c.1573G>T, p.Glu525Ter (NM_001142768.2, NM_001142773.2, NM_001354404.2); c.1675G>T, p.Glu559Ter (NM_001142769.4); c.1660G>T, p.Glu554Ter (NM_001354411.2); short protein forms E525*, E547*, E510*, E559*, E552*, E554*.
Identifiers: ClinVar variation 2827956 (VCV002827956.3), dbSNP rs2539028402, ClinGen allele CA376519735.